The following is an entry in ClinVar:

NM_005618.4(DLL1):c.1235C>T (p.Ser412Leu)

Gene: DLL1 (delta like canonical Notch ligand 1; minus strand). Cytogenetic location: 6q27.
Variant type: single nucleotide variant.
Coding change: c.1235C>T on transcript NM_005618.4 (MANE Select); coding-DNA position 1235, C replaced by T.
Protein change: p.Ser412Leu; replaces serine 412 with leucine.
Molecular consequence: missense variant.
Genome position (GRCh38, 1-based): chr6:170,284,933, G>A on the plus strand (C>T on the coding strand, the complement: DLL1 is on the minus strand). VCF-style: chr6-170284933-G-A. GRCh37 (hg19) VCF-style: chr6-170594021-G-A.
Other names: short protein forms S412L.
Identifiers: ClinVar variation 3021610 (VCV003021610.3), dbSNP rs778035057, ClinGen allele CA4106902.
Genomic context (GRCh38, chr6:170,284,933, plus strand): 5'-TGACCGCTCGCCCGAGTCTCTGAGCAATCACCAGCTGCCCCCTTACCATTAGAACAGGGT[G>A]AAGAGCTGCAGTAGTCAATTTTCTTCTCACAGTTGAAGCCGGAGTAGCCCACGGGGCAGC-3'
Protein context (NP_005609.3, residues 402-422): CEKKIDYCSS[Ser412Leu]PCSNGAKCVD

ClinVar aggregate classification (germline): Uncertain significance (1 of 4 stars; one submission).

Allele frequency attached by ClinVar (database versions not stated): gnomAD exomes 0.00001; ExAC 0.00002.
gnomAD v4.1: 3 of 1,613,990 alleles (0.00019%); highest among the groups gnomAD compares: South Asian, 0.0022%; no homozygotes.

Submission:

Labcorp Genetics (formerly Invitae), Labcorp
Classification: Uncertain significance. Last evaluated: 2023-08-14. Review status: criteria provided, single submitter. Criteria: Invitae Variant Classification Sherloc (09022015). Collection method: clinical testing. Allele origin: germline.
Comment: In summary, the available evidence is currently insufficient to determine the role of this variant in disease. Therefore, it has been classified as a Variant of Uncertain Significance. An algorithm developed to predict the effect of missense changes on protein structure and function (PolyPhen-2) suggests that this variant is likely to be tolerated. This variant has not been reported in the literature in individuals affected with DLL1-related conditions. This variant is present in population databases (rs778035057, gnomAD 0.006%). This sequence change replaces serine, which is neutral and polar, with leucine, which is neutral and non-polar, at codon 412 of the DLL1 protein (p.Ser412Leu).